The following is an entry in ClinVar:

ClinVar aggregate classification (germline): other (0 of 4 stars; one submission).

Conditions:
Familial colorectal cancer. Identifiers: MedGen CN280943, MONDO:0023113. Disease mechanism: loss of function.

Submission:

Systems Biology Platform Zhejiang California International NanoSystems Institute
Classification: other for Familial colorectal cancer. Review status: no assertion criteria provided. Collection method: not provided. Allele origin: unknown.
ClinVar note: Converted during submission from cancer to other.

NM_000038.6(APC):c.136-3072A>G

Gene: APC (APC regulator of WNT signaling pathway; plus strand). Cytogenetic location: 5q22.2.
Variant type: single nucleotide variant.
Coding change: c.136-3072A>G on transcript NM_000038.6 (MANE Select); 3072 bases into the intron before coding-DNA position 136, A replaced by G.
Molecular consequence: intron variant.
Genome position (GRCh38, 1-based): chr5:112,763,254, A>G. VCF-style: chr5-112763254-A-G. GRCh37 (hg19) VCF-style: chr5-112098951-A-G.
Other names: c.136-3072A>G (NM_001354895.2, NM_001127510.3, NM_001354896.2 and 2 more transcripts); c.166-3072A>G (NM_001354897.2, NM_001354902.2, NM_001127511.3); c.61-3072A>G (NM_001354898.2, NM_001354904.2); c.-900-3072A>G (NM_001354906.2); c.-42-3072A>G (NM_001354900.2, NM_001354901.2, NM_001354905.2).
Identifiers: ClinVar variation 82381 (VCV000082381.2), dbSNP rs76869117, ClinGen allele CA004700.
Genomic context (GRCh38, chr5:112,763,254, plus strand): 5'-CTATTTTATTAAATTAGGAAGTGTGGACAAAAAAAATCAAAATCAACTATTTTTTTTTAA[A>G]TTTAAATCCCATCACCAGAGGTAAAAGTAACCTTTGATAGTATATATATATATTCTTTTC-3'